The following is an entry in ClinVar:

ClinVar aggregate classification (germline): Benign/Likely benign. Review status: criteria provided, multiple submitters, no conflicts (2 of 4 stars). 9 submissions from 9 submitters: Benign (5); Likely benign (3). 1 of the submissions does not count toward it. Last evaluated 2026-07-01.

Conditions:
Focal segmental glomerulosclerosis 5 (FSGS5). Identifiers: Orphanet 656, MedGen C2750475, MONDO:0013191, OMIM 613237.
Charcot-Marie-Tooth disease dominant intermediate E. Also called: CHARCOT-MARIE-TOOTH NEUROPATHY WITH FOCAL SEGMENTAL GLOMERULONEPHRITIS. Identifiers: Orphanet 93114, MedGen C4302667, MONDO:0013758, OMIM 614455.

Allele frequency attached by ClinVar (database versions not stated): ESP Exome Variant Server 0.00008; gnomAD 0.00250; TOPMed 0.00458; 1000 Genomes Project 30x 0.00874; 1000 Genomes Project 0.00879.

Submissions (9):

CeGaT Center for Human Genetics Tuebingen
Classification: Benign. Last evaluated: 2026-07-01. Review status: criteria provided, single submitter. Criteria: CeGaT Center For Human Genetics Tuebingen Variant Classification Criteria Version 2. Collection method: clinical testing. Allele origin: germline. Affected: yes. Observed: 2 variant alleles.
Comment: INF2: BS1, BS2

Labcorp Genetics (formerly Invitae), Labcorp
Classification: Benign for Charcot-Marie-Tooth disease dominant intermediate E; Focal segmental glomerulosclerosis 5. Last evaluated: 2026-02-03. Review status: criteria provided, single submitter. Criteria: Invitae Variant Classification Sherloc (09022015). Collection method: clinical testing. Allele origin: germline.

Mayo Clinic Laboratories, Mayo Clinic
Classification: Benign. Last evaluated: 2025-01-22. Review status: criteria provided, single submitter. Criteria: ACMG Guidelines, 2015. Collection method: clinical testing. Allele origin: germline. Observed: 5 variant alleles.
Comment: BS1, BS2, BP4

Blueprint Genetics
Classification: Likely benign. Last evaluated: 2024-11-11. Review status: criteria provided, single submitter. Criteria: ACMG Guidelines, 2015. Collection method: clinical testing. Allele origin: germline.

ARUP Laboratories, Molecular Genetics and Genomics, ARUP Laboratories
Classification: Benign. Last evaluated: 2023-09-06. Review status: criteria provided, single submitter. Criteria: ARUP Molecular Germline Variant Investigation Process 2024. Collection method: clinical testing. Allele origin: germline.

Illumina Laboratory Services, Illumina
Classification: Likely benign for Focal segmental glomerulosclerosis 5. Last evaluated: 2017-04-27. Review status: criteria provided, single submitter. Criteria: ICSL Variant Classification Criteria 13 December 2019. Collection method: clinical testing. Allele origin: germline.
Comment: This variant was observed as part of a predisposition screen in an ostensibly healthy population. A literature search was performed for the gene, cDNA change, and amino acid change (where applicable). No publications were found based on this search. Allele frequency data from public databases allowed determination this variant is unlikely to cause disease. Therefore, this variant is classified as likely benign.

GeneDx
Classification: Benign. Last evaluated: 2017-01-11. Review status: criteria provided, single submitter. Criteria: GeneDx Variant Classification (06012015). Collection method: clinical testing. Allele origin: germline. Affected: yes.
Comment: This variant is considered likely benign or benign based on one or more of the following criteria: it is a conservative change, it occurs at a poorly conserved position in the protein, it is predicted to be benign by multiple in silico algorithms, and/or has population frequency not consistent with disease.

Breakthrough Genomics
Classification: Likely benign. Review status: criteria provided, single submitter. Criteria: ACMG Guidelines, 2015. Collection method: not provided. Allele origin: germline. Inheritance: Autosomal dominant inheritance. Affected: yes.

Genetic Services Laboratory, University of Chicago
Classification: Benign. Last evaluated: 2022-12-20. Review status: no assertion criteria provided. Collection method: clinical testing. Allele origin: germline. Affected: no. Not counted in ClinVar's aggregate classification.

Literature cited by the submitters: PubMed 29869118 (cited by Mayo Clinic Laboratories, Mayo Clinic); PubMed 31328266 (cited by Mayo Clinic Laboratories, Mayo Clinic); PubMed 34255403 (cited by Mayo Clinic Laboratories, Mayo Clinic); PubMed 37464296 (cited by Mayo Clinic Laboratories, Mayo Clinic).

NM_022489.4(INF2):c.1049C>T (p.Pro350Leu)

Gene: INF2 (inverted formin 2; plus strand). Cytogenetic location: 14q32.33.
Variant type: single nucleotide variant.
Coding change: c.1049C>T on transcript NM_022489.4 (MANE Select); coding-DNA position 1049, C replaced by T.
Protein change: p.Pro350Leu; replaces proline 350 with leucine.
Molecular consequence: missense variant.
Genome position (GRCh38, 1-based): chr14:104,707,316, C>T. VCF-style: chr14-104707316-C-T. GRCh37 (hg19) VCF-style: chr14-105173653-C-T.
Other names: p.Pro350Leu; c.1049C>T, p.Pro350Leu (NM_001031714.4); short protein forms P350L.
Identifiers: ClinVar variation 312682 (VCV000312682.70), dbSNP rs146529868, ClinGen allele CA7372498.
Genomic context (GRCh38, chr14:104,707,316, plus strand): 5'-AGGAATGCACCCTGGAGGAAGTGGTTGAGCGGCTCCTGTCTGTCAAGGGGCGACCCAGAC[C>T]GAGCCCCCTGGTCAAGGCCCATAAAAGCGTCCAGGCCAACCTAGACCAGAGCCAGAGGGG-3'
Protein context (NP_071934.3, residues 340-360): RLLSVKGRPR[Pro350Leu]SPLVKAHKSV